The following is an entry in ClinVar:

NM_000245.4(MET):c.2685G>A (p.Thr895=)

Gene: MET (MET proto-oncogene, receptor tyrosine kinase; plus strand). Cytogenetic location: 7q31.2.
Variant type: single nucleotide variant.
Coding change: c.2685G>A on transcript NM_000245.4 (MANE Select); coding-DNA position 2685, G replaced by A.
Protein change: p.Thr895=; no amino-acid change (threonine 895 retained).
Molecular consequence: synonymous variant.
Genome position (GRCh38, 1-based): chr7:116,769,746, G>A. VCF-style: chr7-116769746-G-A. GRCh37 (hg19) VCF-style: chr7-116409800-G-A.
Other names: c.2739G>A, p.Thr913= (NM_001127500.3); c.2685G>A, p.Thr895= (NM_001324401.3); c.1395G>A, p.Thr465= (NM_001324402.2).
Identifiers: ClinVar variation 220897 (VCV000220897.14), dbSNP rs760722037, ClinGen allele CA350367.
Genomic context (GRCh38, chr7:116,769,746, plus strand): 5'-AAAAGTTGGAAATAAGAGCTGTGAGAATATACACTTACATTCTGAAGCCGTTTTATGCAC[G>A]GTCCCCAATGACCTGCTGAAATTGAACAGCGAGCTAAATATAGAGGTGGGATTCCTGCAT-3'
Protein context (NP_000236.2, residues 885-905): IHLHSEAVLC[Thr895=]VPNDLLKLNS

ClinVar aggregate classification (germline): Benign/Likely benign. Review status: criteria provided, multiple submitters, no conflicts (2 of 4 stars). 3 submissions from 3 submitters: Benign (1); Likely benign (2). Last evaluated 2026-01-19.

Conditions:
Renal cell carcinoma. Identifiers: Orphanet 217071, MedGen C0007134, MeSH D002292, MONDO:0005086, HP:0005584.
Hereditary cancer-predisposing syndrome. Also called: Hereditary neoplastic syndrome; Tumor predisposition; Hereditary Cancer Syndrome; Neoplastic Syndromes, Hereditary. Identifiers: Orphanet 140162, MedGen C0027672, MeSH D009386, MONDO:0015356.
Papillary renal cell carcinoma type 1 (RCCP1). Also called: Renal adenocarcinoma; Renal cell carcinoma 1; Renal cell carcinoma, somatic; RENAL CELL CARCINOMA, PAPILLARY, 1, SOMATIC. Identifiers: Orphanet 47044, MedGen C1336839, OMIM 605074, HP:0011797.

Allele frequency attached by ClinVar (database versions not stated): ExAC 0.00001; gnomAD 0.00001; gnomAD exomes 0.00001.
gnomAD v4.1: 10 of 1,613,516 alleles (0.00062%); highest among the groups gnomAD compares: Admixed American, 0.0017%; no homozygotes.

Submissions (3):

Labcorp Genetics (formerly Invitae), Labcorp
Classification: Likely benign for Renal cell carcinoma. Last evaluated: 2026-01-19. Review status: criteria provided, single submitter. Criteria: Invitae Variant Classification Sherloc (09022015). Collection method: clinical testing. Allele origin: germline.

Myriad Genetics, Inc.
Classification: Benign for Papillary renal cell carcinoma type 1. Last evaluated: 2024-11-12. Review status: criteria provided, single submitter. Criteria: Myriad Autosomal Dominant, Autosomal Recessive and X-Linked Classification Criteria (2023). Collection method: clinical testing. Allele origin: unknown.
Comment: This variant is considered benign. This variant is a silent/synonymous amino acid change and it is not expected to impact splicing.

Ambry Genetics
Classification: Likely benign for Hereditary cancer-predisposing syndrome. Last evaluated: 2019-05-16. Review status: criteria provided, single submitter. Criteria: Ambry Variant Classification Scheme 2023. Collection method: clinical testing. Allele origin: germline.